The following is an entry in ClinVar:

ClinVar aggregate classification (germline): Conflicting classifications of pathogenicity. Review status: criteria provided, conflicting classifications (1 of 4 stars). 7 submissions from 7 submitters: Pathogenic (4); Uncertain significance (1). 2 of the submissions do not count toward it. Last evaluated 2024-05-14.

Conditions:
RPGR-related disorder. Also called: RPGR-related condition.
Retinal dystrophy. Also called: Inherited retinal dystrophy. Identifiers: Orphanet 71862, MedGen C0854723, MeSH D058499, MONDO:0019118, HP:0000556.
Primary ciliary dyskinesia. Also called: Ciliary dyskinesia. Identifiers: Orphanet 244, MedGen C0008780, MONDO:0016575, HP:0012265.

Submissions (7):

Labcorp Genetics (formerly Invitae), Labcorp
Classification: Pathogenic for Primary ciliary dyskinesia. Last evaluated: 2024-05-14. Review status: criteria provided, single submitter. Criteria: Invitae Variant Classification Sherloc (09022015). Collection method: clinical testing. Allele origin: germline.
Comment: This sequence change replaces arginine, which is basic and polar, with glycine, which is neutral and non-polar, at codon 127 of the RPGR protein (p.Arg127Gly). This variant is not present in population databases (gnomAD no frequency). This missense change has been observed in individuals with X-linked retinitis pigmentosa (PMID: 10937588, 11992260, 32531858, 34448047, 34985506). It has also been observed to segregate with disease in related individuals. ClinVar contains an entry for this variant (Variation ID: 98784). Advanced modeling of protein sequence and biophysical properties (such as structural, functional, and spatial information, amino acid conservation, physicochemical variation, residue mobility, and thermodynamic stability) has been performed at Invitae for this missense variant, however the output from this modeling did not meet the statistical confidence thresholds required to predict the impact of this variant on RPGR protein function. For these reasons, this variant has been classified as Pathogenic.

Blueprint Genetics
Classification: Pathogenic for RPGR-related disorders. Last evaluated: 2018-06-29. Review status: criteria provided, single submitter. Criteria: ACMG Guidelines, 2015. Collection method: clinical testing. Allele origin: germline. Affected: yes. Observed: 2 variant alleles.

PreventionGenetics, part of Exact Sciences
Classification: Pathogenic. Last evaluated: 2017-06-11. Review status: criteria provided, single submitter. Criteria: ACMG Guidelines, 2015. Collection method: clinical testing. Allele origin: germline.

CeGaT Center for Human Genetics Tuebingen
Classification: Pathogenic. Last evaluated: 2016-12-01. Review status: criteria provided, single submitter. Criteria: CeGaT Center For Human Genetics Tuebingen Variant Classification Criteria Version 2. Collection method: clinical testing. Allele origin: germline. Affected: yes. Observed: 1 variant allele.

Department of Genetics, Fundacion Jimenez Diaz University Hospital
Classification: Uncertain significance for Retinal dystrophy. Review status: criteria provided, single submitter. Criteria: ACMG Guidelines, 2015. Collection method: clinical testing. Allele origin: unknown. Affected: yes.
Comment: Variant not found in population databases, predicted deleterious by in-silico pathogenicity predictors. This variant has been previously reported (rs62638643). (ACMG: PM2 Moderate; PP3 Supporting)

Institute of Human Genetics, Univ. Regensburg, Univ. Regensburg
Classification: Likely pathogenic for Retinal dystrophy. Last evaluated: 2017-01-01. Review status: no assertion criteria provided. Criteria: ACMG Guidelines, 2015. Collection method: clinical testing. Allele origin: germline. Affected: yes. Not counted in ClinVar's aggregate classification.

Retina International
No classification provided. Review status: no classification provided. Collection method: not provided. Allele origin: not provided. Not counted in ClinVar's aggregate classification.

Literature cited by the submitters: PubMed 10937588 (cited by Labcorp Genetics (formerly Invitae), Labcorp); PubMed 11992260 (cited by Labcorp Genetics (formerly Invitae), Labcorp); PubMed 32531858 (cited by Labcorp Genetics (formerly Invitae), Labcorp); PubMed 34448047 (cited by Labcorp Genetics (formerly Invitae), Labcorp); PubMed 34985506 (cited by Labcorp Genetics (formerly Invitae), Labcorp).

NM_001034853.2(RPGR):c.379A>G (p.Arg127Gly)

Gene: RPGR (retinitis pigmentosa GTPase regulator; minus strand). Cytogenetic location: Xp11.4.
Variant type: single nucleotide variant.
Coding change: c.379A>G on transcript NM_001034853.2 (MANE Select); coding-DNA position 379, A replaced by G.
Protein change: p.Arg127Gly; replaces arginine 127 with glycine.
Molecular consequence: missense variant. On other transcripts: non-coding transcript variant (6).
Genome position (GRCh38, 1-based): chrX:38,318,919, T>C on the plus strand (A>G on the coding strand, the complement: RPGR is on the minus strand). VCF-style: chrX-38318919-T-C. GRCh37 (hg19) VCF-style: chrX-38178172-T-C.
Other names: c.379A>G, p.Arg127Gly (NM_000328.3, NM_001367245.1, NM_001367246.1 and 3 more transcripts); c.409A>G, p.Arg137Gly (NM_001367248.1); c.376A>G, p.Arg126Gly (NM_001367249.1); short protein forms R127G, R126G, R137G.
Identifiers: ClinVar variation 98784 (VCV000098784.53), dbSNP rs62638643, ClinGen allele CA226416.